The following is an entry in ClinVar:

ClinVar aggregate classification (germline): Uncertain significance (1 of 4 stars; one submission).

Conditions:
NHERF1-related disorder. Also called: NHERF1-related condition.

gnomAD v4.1: 29 of 1,613,908 alleles (0.0018%); highest among the groups gnomAD compares: Non-Finnish European, 0.0024%; no homozygotes.

Submission:

PreventionGenetics, part of Exact Sciences
Classification: Uncertain significance for NHERF1-related condition. Last evaluated: 2025-04-24. Review status: criteria provided, single submitter. Criteria: ACMG Guidelines, 2015. Collection method: clinical testing. Allele origin: germline.
Comment: The NHERF1 c.971A>G variant is predicted to result in the amino acid substitution p.Asn324Ser. To our knowledge, this variant has not been reported in the literature or in a large population database (gnomAD), indicating this variant is rare. At this time, the clinical significance of this variant is uncertain due to the absence of conclusive functional and genetic evidence.

NM_004252.5(NHERF1):c.971A>G (p.Asn324Ser)

Gene: NHERF1 (NHERF family PDZ scaffold protein 1; plus strand). Cytogenetic location: 17q25.1.
Variant type: single nucleotide variant.
Coding change: c.971A>G on transcript NM_004252.5 (MANE Select); coding-DNA position 971, A replaced by G.
Protein change: p.Asn324Ser; replaces asparagine 324 with serine.
Molecular consequence: missense variant.
Genome position (GRCh38, 1-based): chr17:74,768,550, A>G. VCF-style: chr17-74768550-A-G. GRCh37 (hg19) VCF-style: chr17-72764689-A-G.
Other names: short protein forms N324S.
Identifiers: ClinVar variation 4978227 (VCV004978227.1).